The following is an entry in ClinVar:

ClinVar aggregate classification (germline): Benign/Likely benign. Review status: criteria provided, multiple submitters, no conflicts (2 of 4 stars). 3 submissions from 3 submitters: Benign (1); Likely benign (2). Last evaluated 2026-06-08.

Conditions:
Hereditary cancer-predisposing syndrome. Also called: Tumor predisposition; Hereditary neoplastic syndrome; Neoplastic Syndromes, Hereditary; Hereditary Cancer Syndrome. Identifiers: Orphanet 140162, MedGen C0027672, MeSH D009386, MONDO:0015356.
Hereditary pheochromocytoma and paraganglioma. Also called: Hereditary Paraganglioma-Pheochromocytoma Syndromes; Hereditary paragangliomas and pheochromocytomas; Hereditary pheochromocytoma-paraganglioma. Identifiers: Orphanet 29072, MedGen C4274332, MONDO:0017366.
Pheochromocytoma. Also called: MAX-Related Hereditary Paraganglioma-Pheochromocytoma Syndrome. Identifiers: Orphanet 29072, MedGen C0031511, MONDO:0008233, OMIM 171300, HP:0002666.

Allele frequency attached by ClinVar (database versions not stated): 1000 Genomes Project 30x 0.00047; 1000 Genomes Project 0.00060; ExAC 0.00002; TOPMed 0.00006; gnomAD 0.00009.
gnomAD v4.1: 27 of 1,614,136 alleles (0.0017%); highest among the groups gnomAD compares: African/African-American, 0.025%; no homozygotes.

Submissions (3):

Myriad Genetics, Inc.
Classification: Benign for Pheochromocytoma. Last evaluated: 2026-06-08. Review status: criteria provided, single submitter. Criteria: Myriad Autosomal Dominant, Autosomal Recessive and X-Linked Classification Criteria (2023). Collection method: clinical testing. Allele origin: unknown.
Comment: This variant is considered benign. This variant is a silent/synonymous amino acid change and it is not expected to impact splicing.

Labcorp Genetics (formerly Invitae), Labcorp
Classification: Likely benign for Hereditary pheochromocytoma and paraganglioma. Last evaluated: 2026-01-18. Review status: criteria provided, single submitter. Criteria: Invitae Variant Classification Sherloc (09022015). Collection method: clinical testing. Allele origin: germline.

Ambry Genetics
Classification: Likely benign for Hereditary cancer-predisposing syndrome. Last evaluated: 2014-12-04. Review status: criteria provided, single submitter. Criteria: Ambry Variant Classification Scheme 2023. Collection method: clinical testing. Allele origin: germline.

NM_002382.5(MAX):c.279T>C (p.Ala93=)

Gene: MAX (MYC associated transcriptional regulator X; minus strand). Cytogenetic location: 14q23.3.
Variant type: single nucleotide variant.
Coding change: c.279T>C on transcript NM_002382.5 (MANE Select); coding-DNA position 279, T replaced by C.
Protein change: p.Ala93=; no amino-acid change (alanine 93 retained).
Molecular consequence: synonymous variant. On other transcripts: missense variant (4), 5 prime UTR variant (2), non-coding transcript variant (7), intron variant (2).
Genome position (GRCh38, 1-based): chr14:65,077,929, A>G on the plus strand (T>C on the coding strand, the complement: MAX is on the minus strand). VCF-style: chr14-65077929-A-G. GRCh37 (hg19) VCF-style: chr14-65544647-A-G.
Other names: c.5T>C, p.Leu2Pro (NM_001320415.2, NM_001407105.1, NM_001407106.1 and 1 more transcripts); c.279T>C, p.Ala93= (NM_001407094.1, NM_001407096.1, NM_001407097.1 and 3 more transcripts); c.252T>C, p.Ala84= (NM_001407095.1, NM_001407099.1, NM_001407100.1 and 6 more transcripts); c.171T>C, p.Ala57= (NM_001407098.1); c.-89T>C (NM_001407111.1, NM_001407112.1); c.144+15779T>C (NM_001271069.2); c.171+15779T>C (NM_197957.4); short protein forms L2P.
Identifiers: ClinVar variation 187372 (VCV000187372.17), dbSNP rs145370107, ClinGen allele CA197478.